The following is an entry in ClinVar:

NM_001396959.1(TBC1D1):c.133G>C (p.Ala45Pro)

Gene: TBC1D1 (TBC1 domain family member 1; plus strand). Cytogenetic location: 4p14.
Variant type: single nucleotide variant.
Coding change: c.133G>C on transcript NM_001396959.1 (MANE Select); coding-DNA position 133, G replaced by C.
Protein change: p.Ala45Pro; replaces alanine 45 with proline.
Molecular consequence: missense variant.
Genome position (GRCh38, 1-based): chr4:37,902,228, G>C. VCF-style: chr4-37902228-G-C. GRCh37 (hg19) VCF-style: chr4-37903849-G-C.
Other names: c.133G>C, p.Ala45Pro (NM_001253912.2, NM_015173.4); short protein forms A45P.
Identifiers: ClinVar variation 3031040 (VCV003031040.2), dbSNP rs369686577, ClinGen allele CA2887208.

ClinVar aggregate classification (germline): Uncertain significance (0 of 4 stars; one submission).

Conditions:
TBC1D1-related disorder. Also called: TBC1D1-related condition.

Allele frequency attached by ClinVar (database versions not stated): ExAC 0.00001; gnomAD 0.00003; ESP Exome Variant Server 0.00008.
gnomAD v4.1: 123 of 1,613,942 alleles (0.0076%); highest among the groups gnomAD compares: Non-Finnish European, 0.0098%; no homozygotes.

Submission:

PreventionGenetics, part of Exact Sciences
Classification: Uncertain significance for TBC1D1-related condition. Last evaluated: 2024-02-14. Review status: no assertion criteria provided. Collection method: clinical testing. Allele origin: germline.
Comment: The TBC1D1 c.133G>C variant is predicted to result in the amino acid substitution p.Ala45Pro. To our knowledge, this variant has not been reported in the literature. This variant is reported in 0.0070% of alleles in individuals of European (non-Finnish) descent in gnomAD.. At this time, the clinical significance of this variant is uncertain due to the absence of conclusive functional and genetic evidence.